The following is an entry in ClinVar:

ClinVar aggregate classification (germline): Uncertain significance (1 of 4 stars; one submission).

Submission:

ARUP Laboratories, Molecular Genetics and Genomics, ARUP Laboratories
Classification: Uncertain significance. Last evaluated: 2024-07-08. Review status: criteria provided, single submitter. Criteria: ARUP Molecular Germline Variant Investigation Process 2024. Collection method: clinical testing. Allele origin: germline.
Comment: The F8 c.5926C>T; p.His1976Tyr variant, to our knowledge, is not reported in the medical literature or gene specific databases. This variant is also absent from the Genome Aggregation Database (v2.1.1), indicating it is not a common polymorphism. Additionally, other variants at this codon (c.5923C.G, p.His1976Asp; c.5927A.G, p.His1976Arg) have been reported in individuals with mild hemophilia A (F8 database, Lannoy 2012). Computational analyses predict that this variant is deleterious (REVEL: 0.923). However, given the lack of clinical and functional data, the significance of this variant is uncertain at this time. References: Link to Factor VIII database: Lannoy N et al. Computational and molecular approaches for predicting unreported causal missense mutations in Belgian patients with haemophilia A. Haemophilia. 2012 May;18(3):e331-9. PMID: 21883705.

NM_000132.4(F8):c.5926C>T (p.His1976Tyr)

Gene: F8 (coagulation factor VIII; minus strand). Cytogenetic location: Xq28.
Variant type: single nucleotide variant.
Coding change: c.5926C>T on transcript NM_000132.4 (MANE Select); coding-DNA position 5926, C replaced by T.
Protein change: p.His1976Tyr; replaces histidine 1976 with tyrosine.
Molecular consequence: missense variant.
Genome position (GRCh38, 1-based): chrX:154,903,978, G>A on the plus strand (C>T on the coding strand, the complement: F8 is on the minus strand). VCF-style: chrX-154903978-G-A. GRCh37 (hg19) VCF-style: chrX-154132253-G-A.
Other names: short protein forms H1976Y.
Identifiers: ClinVar variation 3766699 (VCV003766699.1).
Genomic context (GRCh38, chrX:154,903,978, plus strand): 5'-TGTACAGTGCCATTTTATACTCCTCTTTTTTTCGTACAGTGAACACATGTCCACTGAAAT[G>A]AATAGAATGGATGTTTTCATTGCTGCCCATGCTGAGCAGATACCATCGAATCCTTTGATC-3'
Protein context (NP_000123.1, residues 1966-1986): MGSNENIHSI[His1976Tyr]FSGHVFTVRK